The following is an entry in ClinVar:

ClinVar aggregate classification (germline): Uncertain significance (1 of 4 stars; one submission).

Conditions:
CHARGE syndrome (CHARGE). Also called: Hittner Hirsch Kreh syndrome; CHARGE ASSOCIATION--COLOBOMA, HEART ANOMALY, CHOANAL ATRESIA, RETARDATION, GENITAL AND EAR ANOMALIES; Coloboma, heart anomaly, choanal atresia, retardation, genital and ear anomalies; CHARGE association; Hall-Hittner syndrome. Identifiers: Orphanet 138, MedGen C0265354, MONDO:0008965.

Allele frequency attached by ClinVar (database versions not stated): gnomAD exomes below 0.00001.
gnomAD v4.1: 2 of 1,613,918 alleles (0.00012%); highest among the groups gnomAD compares: Non-Finnish European, 0.00017%; no homozygotes.

Submission:

Labcorp Genetics (formerly Invitae), Labcorp
Classification: Uncertain significance for CHARGE syndrome. Last evaluated: 2024-02-17. Review status: criteria provided, single submitter. Criteria: Invitae Variant Classification Sherloc (09022015). Collection method: clinical testing. Allele origin: germline.
Comment: This sequence change replaces serine, which is neutral and polar, with alanine, which is neutral and non-polar, at codon 647 of the SEMA3E protein (p.Ser647Ala). This variant is not present in population databases (gnomAD no frequency). This variant has not been reported in the literature in individuals affected with SEMA3E-related conditions. ClinVar contains an entry for this variant (Variation ID: 1412136). Advanced modeling of protein sequence and biophysical properties (such as structural, functional, and spatial information, amino acid conservation, physicochemical variation, residue mobility, and thermodynamic stability) performed at Invitae indicates that this missense variant is not expected to disrupt SEMA3E protein function with a negative predictive value of 80%. In summary, the available evidence is currently insufficient to determine the role of this variant in disease. Therefore, it has been classified as a Variant of Uncertain Significance.

NM_012431.3(SEMA3E):c.1939T>G (p.Ser647Ala)

Gene: SEMA3E (semaphorin 3E; minus strand). Cytogenetic location: 7q21.11.
Variant type: single nucleotide variant.
Coding change: c.1939T>G on transcript NM_012431.3 (MANE Select); coding-DNA position 1939, T replaced by G.
Protein change: p.Ser647Ala; replaces serine 647 with alanine.
Molecular consequence: missense variant.
Genome position (GRCh38, 1-based): chr7:83,367,975, A>C on the plus strand (T>G on the coding strand, the complement: SEMA3E is on the minus strand). VCF-style: chr7-83367975-A-C. GRCh37 (hg19) VCF-style: chr7-82997291-A-C.
Other names: c.1759T>G, p.Ser587Ala (NM_001178129.2); short protein forms S587A, S647A.
Identifiers: ClinVar variation 1412136 (VCV001412136.6), dbSNP rs2116892427, ClinGen allele CA367914498.